The following is an entry in ClinVar:

ClinVar aggregate classification (germline): Likely benign. Review status: reviewed by expert panel (3 of 4 stars). 7 submissions from 7 submitters: Likely benign (1). 6 of the submissions do not count toward it. Last evaluated 2022-05-18.

Conditions:
DICER1-related tumor predisposition. Also called: DICER1 syndrome; DICER1-related pleuropulmonary blastoma cancer predisposition syndrome. Identifiers: Orphanet 284343, MedGen C3839822, MONDO:0100216.
DICER1-related disorder. Also called: DICER1-related condition.
Hereditary cancer-predisposing syndrome. Also called: Hereditary neoplastic syndrome; Tumor predisposition; Hereditary Cancer Syndrome; Neoplastic Syndromes, Hereditary. Identifiers: Orphanet 140162, MedGen C0027672, MeSH D009386, MONDO:0015356.

Allele frequency attached by ClinVar (database versions not stated): gnomAD 0.00005 and 0.00006; gnomAD exomes 0.00005; ExAC 0.00006; TOPMed 0.00007.
gnomAD v4.1: 66 of 1,613,198 alleles (0.0041%); highest among the groups gnomAD compares: East Asian, 0.0067%; no homozygotes.

Submissions (7):

ClinGen DICER1 and miRNA-Processing Gene Variant Curation Expert Panel, ClinGen
Classification: Likely benign for DICER1-related tumor predisposition. Last evaluated: 2022-05-18. Review status: reviewed by expert panel. Criteria: ClinGen DICER1 ACMG Specifications DICER1 v1. Collection method: curation. Allele origin: germline. Inheritance: Autosomal dominant inheritance.
Comment: The NM_177438.2:c.*5G>A variant in DICER1 is an variant located five nucleotides into the 3' untranslated region (UTR) of the DICER1 gene. This variant has been seen in 10 or more unrelated females without tumors through age 50 in at least one testing laboratory (BS2_Supporting; SCV000661852.3). The highest population minor allele frequency in gnomAD v2.1.1 (non-cancer) is 0.000085 (2/2350 alleles) in African/African-American population. (PM2_Supporting, BS1, and BA1 are not met). The splice site predictors MaxEntScan and SpliceAI indicate that the variant has no impact on splicing, evidence that does not predict a damaging effect on DICER1 function (BP4). In summary, this variant meets the criteria to be classified as LIKELY BENIGN for DICER1 syndrome based on the ACMG/AMP criteria applied, as specified by the ClinGen DICER1 VCEP: BS2_Supporting, BP4. (VBayesian Points: -2; VCEP specifications version 1; 02/11/2022)

Myriad Genetics, Inc.
Classification: Benign for DICER1-related tumor predisposition. Last evaluated: 2026-04-21. Review status: criteria provided, single submitter. Criteria: Myriad Autosomal Dominant, Autosomal Recessive and X-Linked Classification Criteria (2023). Collection method: clinical testing. Allele origin: unknown. Not counted in ClinVar's aggregate classification.
Comment: This variant is considered benign. This variant occurs in the non-coding 3' untranslated region of the gene, and is not expected to impact protein function.

Blueprint Genetics
Classification: Likely benign. Last evaluated: 2023-08-10. Review status: criteria provided, single submitter. Criteria: ACMG Guidelines, 2015. Collection method: clinical testing. Allele origin: germline. Not counted in ClinVar's aggregate classification.

Quest Diagnostics Nichols Institute San Juan Capistrano
Classification: Likely benign. Last evaluated: 2023-01-05. Review status: criteria provided, single submitter. Criteria: Quest Diagnostics criteria. Collection method: clinical testing. Allele origin: unknown. Not counted in ClinVar's aggregate classification.

Illumina Laboratory Services, Illumina
Classification: Likely benign for Pleuropulmonary blastoma. Last evaluated: 2018-01-12. Review status: criteria provided, single submitter. Criteria: ICSL Variant Classification Criteria 13 December 2019. Collection method: clinical testing. Allele origin: germline. Not counted in ClinVar's aggregate classification.
Comment: This variant was observed in the ICSL laboratory as part of a predisposition screen in an ostensibly healthy population. It had not been previously curated by ICSL or reported in the Human Gene Mutation Database (HGMD: prior to June 1st, 2018), and was therefore a candidate for classification through an automated scoring system. Utilizing variant allele frequency, disease prevalence and penetrance estimates, and inheritance mode, an automated score was calculated to assess if this variant is too frequent to cause the disease. Based on the score and internal cut-off values, a variant classified as likely benign is not then subjected to further curation. The score for this variant resulted in a classification of likely benign for this disease.

Ambry Genetics
Classification: Uncertain significance for Hereditary cancer-predisposing syndrome. Last evaluated: 2017-04-05. Review status: criteria provided, single submitter. Criteria: Ambry Variant Classification Scheme 2023. Collection method: clinical testing. Allele origin: germline. Not counted in ClinVar's aggregate classification.
Comment: The c.*5G>A variant is located in the 3' untranslated region (3&rsquo; UTR) of the DICER1 gene. This variant results from a G to A substitution 5 nucleotides after the last translated codon. This nucleotide position is poorly conserved in available vertebrate species. Since supporting evidence is limited at this time, the clinical significance of this alteration remains unclear.

PreventionGenetics, part of Exact Sciences
Classification: Likely benign for DICER1-related condition. Last evaluated: 2022-07-22. Review status: no assertion criteria provided. Collection method: clinical testing. Allele origin: germline. Not counted in ClinVar's aggregate classification.
Comment: This variant is classified as likely benign based on ACMG/AMP sequence variant interpretation guidelines (Richards et al. 2015 PMID: 25741868, with internal and published modifications).

NM_177438.3(DICER1):c.*5G>A

Gene: DICER1 (dicer 1, ribonuclease III; minus strand). Cytogenetic location: 14q32.13.
Variant type: single nucleotide variant.
Coding change: c.*5G>A on transcript NM_177438.3 (MANE Select); 5 bases downstream of the stop codon, G replaced by A.
Molecular consequence: 3 prime UTR variant.
Genome position (GRCh38, 1-based): chr14:95,090,493, C>T on the plus strand (G>A on the coding strand, the complement: DICER1 is on the minus strand). VCF-style: chr14-95090493-C-T. GRCh37 (hg19) VCF-style: chr14-95556830-C-T.
Other names: NM_030621.4(DICER1):c.*5G>A; c.*121G>A (NM_001195573.1); c.*5G>A (NM_001271282.3, NM_001291628.2, NM_030621.4).
Identifiers: ClinVar variation 315099 (VCV000315099.18), dbSNP rs770907156, ClinGen allele CA7330592.